The following is an entry in ClinVar:

ClinVar aggregate classification (germline): Likely pathogenic (1 of 4 stars; one submission).

Allele frequency attached by ClinVar (database versions not stated): gnomAD 0.00001; TOPMed 0.00002.
gnomAD v4.1: 1 of 1,379,290 alleles (0.000073%); highest among the groups gnomAD compares: African/African-American, 0.0015%; no homozygotes.

Submission:

Labcorp Genetics (formerly Invitae), Labcorp
Classification: Likely pathogenic. Last evaluated: 2023-08-28. Review status: criteria provided, single submitter. Criteria: Invitae Variant Classification Sherloc (09022015). Collection method: clinical testing. Allele origin: germline.
Comment: This variant is not present in population databases (gnomAD no frequency). This sequence change affects a donor splice site in intron 1 of the DGAT1 gene. It is expected to disrupt RNA splicing. Variants that disrupt the donor or acceptor splice site typically lead to a loss of protein function (PMID: 16199547), and loss-of-function variants in DGAT1 are known to be pathogenic (PMID: 29604290). This variant has not been reported in the literature in individuals affected with DGAT1-related conditions. Algorithms developed to predict the effect of sequence changes on RNA splicing suggest that this variant may disrupt the consensus splice site. In summary, the currently available evidence indicates that the variant is pathogenic, but additional data are needed to prove that conclusively. Therefore, this variant has been classified as Likely Pathogenic.

Literature cited by the submitters: PubMed 16199547; PubMed 29604290.

NM_012079.6(DGAT1):c.200+2T>A

Gene: DGAT1 (diacylglycerol O-acyltransferase 1; minus strand). Cytogenetic location: 8q24.3.
Variant type: single nucleotide variant.
Coding change: c.200+2T>A on transcript NM_012079.6 (MANE Select); the canonical splice donor site of the intron after coding-DNA position 200, T replaced by A.
Molecular consequence: splice donor variant.
Genome position (GRCh38, 1-based): chr8:144,326,435, A>T on the plus strand (T>A on the coding strand, the complement: DGAT1 is on the minus strand). VCF-style: chr8-144326435-A-T. GRCh37 (hg19) VCF-style: chr8-145550098-A-T.
Identifiers: ClinVar variation 2733861 (VCV002733861.3), dbSNP rs566515249, ClinGen allele CA372613175.
Genomic context (GRCh38, chr8:144,326,435, plus strand): 5'-GCCAACCCCGGAAAGTCGCGGGGCCCTTGGGTCAGAGGTTAGGGGGTCAGGCGCTCCGCT[A>T]CCTCAGCTCCCAGTGGCCGCTGCCCACGCCGGCGTCTCCGTCCTTGTTGGGGGCCGGGGC-3'